The following is an entry in ClinVar:

NM_020693.4(DSCAML1):c.4585C>T (p.Arg1529Trp)

Gene: DSCAML1 (DS cell adhesion molecule like 1; minus strand). Cytogenetic location: 11q23.3.
Variant type: single nucleotide variant.
Coding change: c.4585C>T on transcript NM_020693.4 (MANE Select); coding-DNA position 4585, C replaced by T.
Protein change: p.Arg1529Trp; replaces arginine 1529 with tryptophan.
Molecular consequence: missense variant.
Genome position (GRCh38, 1-based): chr11:117,437,257, G>A on the plus strand (C>T on the coding strand, the complement: DSCAML1 is on the minus strand). VCF-style: chr11-117437257-G-A. GRCh37 (hg19) VCF-style: chr11-117307973-G-A.
Other names: short protein forms R1529W.
Identifiers: ClinVar variation 2172453 (VCV002172453.4), dbSNP rs757513667, ClinGen allele CA6296333.

ClinVar aggregate classification (germline): Uncertain significance (1 of 4 stars; one submission).

Allele frequency attached by ClinVar (database versions not stated): TOPMed 0.00003; gnomAD 0.00005; ExAC 0.00006.
gnomAD v4.1: 70 of 1,614,096 alleles (0.0043%); highest among the groups gnomAD compares: Admixed American, 0.005%; no homozygotes.

Submission:

Labcorp Genetics (formerly Invitae), Labcorp
Classification: Uncertain significance. Last evaluated: 2025-08-21. Review status: criteria provided, single submitter. Criteria: Invitae Variant Classification Sherloc (09022015). Collection method: clinical testing. Allele origin: germline.
Comment: This sequence change replaces arginine, which is basic and polar, with tryptophan, which is neutral and slightly polar, at codon 1589 of the DSCAML1 protein (p.Arg1589Trp). This variant is present in population databases (rs757513667, gnomAD 0.01%). This variant has not been reported in the literature in individuals affected with DSCAML1-related conditions. ClinVar contains an entry for this variant (Variation ID: 2172453). An algorithm developed to predict the effect of missense changes on protein structure and function (PolyPhen-2) suggests that this variant is likely to be disruptive. In summary, the available evidence is currently insufficient to determine the role of this variant in disease. Therefore, it has been classified as a Variant of Uncertain Significance.